The following is an entry in ClinVar:

ClinVar aggregate classification (germline): Uncertain significance (1 of 4 stars; one submission).

Conditions:
COG1 congenital disorder of glycosylation (CDG2G). Also called: CONGENITAL DISORDER OF GLYCOSYLATION, TYPE IIg; CDG IIg; CDGII/COG1 CEREBROCOSTOMANDIBULAR-LIKE SYNDROME. Identifiers: Orphanet 263508, MedGen C2931011, MONDO:0012637, OMIM 611209.

Submission:

Labcorp Genetics (formerly Invitae), Labcorp
Classification: Uncertain significance for COG1 congenital disorder of glycosylation. Last evaluated: 2024-02-23. Review status: criteria provided, single submitter. Criteria: Invitae Variant Classification Sherloc (09022015). Collection method: clinical testing. Allele origin: germline.
Comment: This sequence change falls in intron 13 of the COG1 gene. It does not directly change the encoded amino acid sequence of the COG1 protein. This variant is present in population databases (rs764085125, gnomAD 0.03%). This variant has not been reported in the literature in individuals affected with COG1-related conditions. ClinVar contains an entry for this variant (Variation ID: 1948735). Algorithms developed to predict the effect of sequence changes on RNA splicing suggest that this variant may disrupt the consensus splice site. In summary, the available evidence is currently insufficient to determine the role of this variant in disease. Therefore, it has been classified as a Variant of Uncertain Significance.

NM_018714.3(COG1):c.2806-19_2806-15del

Genes: COG1 (component of oligomeric golgi complex 1; plus strand), VCF1 (VCP nuclear cofactor family member 1; minus strand). Cytogenetic location: 17q25.1.
Variant type: Deletion.
Coding change: c.2806-19_2806-15del on transcript NM_018714.3 (MANE Select); 19 bases into the intron before coding-DNA position 2806 through 15 bases into the intron before coding-DNA position 2806, 5 bases deleted (TCTCT; older notation c.2806-19_2806-15delTCTCT).
Molecular consequence: intron variant. On other transcripts: 3 prime UTR variant (5).
Genome position (GRCh38, 1-based): chr17:73,208,295-73,208,299, TCTCT deleted; deleting any 5 consecutive bases within chr17:73,208,294-73,208,299 gives the same sequence; the c. name uses the placement nearest the transcript's 3' end. VCF-style (leftmost placement, unchanged base first): chr17-73208293-TTTCTC-T. GRCh37 (hg19) VCF-style: chr17-71204432-TTTCTC-T.
Other names: c.*1231_*1235del (NM_001098832.2, NM_001289412.2, NM_032837.3); c.*1380_*1384del (NM_001289410.1, NM_001289411.1).
Identifiers: ClinVar variation 1948735 (VCV001948735.6), dbSNP rs764085125, ClinGen allele CA8740668.
Genomic context (GRCh38, chr17:73,208,293, plus strand): 5'-CCGAGTGGCGTCGCGCGGAGGGCGAGTGGGCAGGAGGGCTCAGGCCAACTCTAAGGCACT[TTTCTC>T]TACATCCAATGGCAGGTTGTCCCCCCGGCACGCTCCACAGCTGGTGACCCGACAGTTCCT-3'